The following is an entry in ClinVar:

ClinVar aggregate classification (germline): Benign/Likely benign. Review status: criteria provided, multiple submitters, no conflicts (2 of 4 stars). 3 submissions from 3 submitters: Benign (1); Likely benign (2). Last evaluated 2025-02-19.

Conditions:
Hereditary cancer-predisposing syndrome. Also called: Tumor predisposition; Neoplastic Syndromes, Hereditary; Hereditary Cancer Syndrome; Hereditary neoplastic syndrome. Identifiers: Orphanet 140162, MedGen C0027672, MeSH D009386, MONDO:0015356.
Breast-ovarian cancer, familial, susceptibility to, 3. Also called: RAD51C-Related Breast/Ovarian Cancer. Identifiers: Orphanet 145, MedGen C3150659, MONDO:0013253, OMIM 613399.
Fanconi anemia complementation group O. Also called: RAD51C-Related Fanconi Anemia. Identifiers: Orphanet 84, MedGen C3150653, MONDO:0013248, OMIM 613390.

Allele frequency attached by ClinVar (database versions not stated): gnomAD 0.00001.
gnomAD v4.1: 2 of 1,613,642 alleles (0.00012%); highest among the groups gnomAD compares: African/African-American, 0.0027%; no homozygotes.

Submissions (3):

Myriad Genetics, Inc.
Classification: Benign for Breast-ovarian cancer, familial, susceptibility to, 3. Last evaluated: 2025-02-19. Review status: criteria provided, single submitter. Criteria: Myriad Autosomal Dominant, Autosomal Recessive and X-Linked Classification Criteria (2023). Collection method: clinical testing. Allele origin: unknown.
Comment: This variant is considered benign. This variant is a silent/synonymous amino acid change and it is not expected to impact splicing.

Labcorp Genetics (formerly Invitae), Labcorp
Classification: Likely benign for Fanconi anemia complementation group O. Last evaluated: 2024-05-21. Review status: criteria provided, single submitter. Criteria: Invitae Variant Classification Sherloc (09022015). Collection method: clinical testing. Allele origin: germline.

Ambry Genetics
Classification: Likely benign for Hereditary cancer-predisposing syndrome. Last evaluated: 2020-08-31. Review status: criteria provided, single submitter. Criteria: Ambry Variant Classification Scheme 2023. Collection method: clinical testing. Allele origin: germline.

NM_058216.3(RAD51C):c.1068A>G (p.Ser356=)

Gene: RAD51C (RAD51 paralog C; plus strand). Cytogenetic location: 17q22.
Variant type: single nucleotide variant.
Coding change: c.1068A>G on transcript NM_058216.3 (MANE Select); coding-DNA position 1068, A replaced by G.
Protein change: p.Ser356=; no amino-acid change (serine 356 retained).
Molecular consequence: synonymous variant. On other transcripts: non-coding transcript variant (1).
Genome position (GRCh38, 1-based): chr17:58,734,159, A>G. VCF-style: chr17-58734159-A-G. GRCh37 (hg19) VCF-style: chr17-56811520-A-G.
Other names: c.*496A>G (NM_058217.1).
Identifiers: ClinVar variation 1782370 (VCV001782370.6), dbSNP rs865988490, ClinGen allele CA292074351.